The following is an entry in ClinVar:

NM_018136.5(ASPM):c.401C>T (p.Ala134Val)

Gene: ASPM (assembly factor for spindle microtubules; minus strand). Cytogenetic location: 1q31.3.
Variant type: single nucleotide variant.
Coding change: c.401C>T on transcript NM_018136.5 (MANE Select); coding-DNA position 401, C replaced by T.
Protein change: p.Ala134Val; replaces alanine 134 with valine.
Molecular consequence: missense variant.
Genome position (GRCh38, 1-based): chr1:197,143,997, G>A on the plus strand (C>T on the coding strand, the complement: ASPM is on the minus strand). VCF-style: chr1-197143997-G-A. GRCh37 (hg19) VCF-style: chr1-197113127-G-A.
Other names: c.401C>T, p.Ala134Val (NM_001206846.2); short protein forms A134V.
Identifiers: ClinVar variation 4994897 (VCV004994897.1).
Genomic context (GRCh38, chr1:197,143,997, plus strand): 5'-CAGAATGGTTAAAACATTACCTTTTTCTTTTTCTGCTCTTCTGCATTTCCTAGTAATATA[G>A]CTTGGTGTTTCAGAACATCATTTACAAGAAATGTCATAATCTCTCTTACTCGGCCTTCTT-3'
Protein context (NP_060606.3, residues 124-144): FLVNDVLKHQ[Ala134Val]ILLGNAEEQK

ClinVar aggregate classification (germline): Uncertain significance (1 of 4 stars; one submission).

Conditions:
ASPM-related disorder. Also called: ASPM-related condition.

Submission:

PreventionGenetics, part of Exact Sciences
Classification: Uncertain significance for ASPM-related condition. Last evaluated: 2026-08-14. Review status: criteria provided, single submitter. Criteria: ACMG Guidelines, 2015. Collection method: clinical testing. Allele origin: germline.
Comment: The ASPM c.401C>T variant is predicted to result in the amino acid substitution p.Ala134Val. To our knowledge, this variant has not been reported in the literature or in a large population database (gnomAD), indicating this variant is rare. At this time, the clinical significance of this variant is uncertain due to the absence of conclusive functional and genetic evidence.